The following is an entry in ClinVar:

NM_012186.3(FOXE3):c.496C>G (p.Arg166Gly)

Genes: FOXE3 (forkhead box E3; plus strand), LINC01389 (long independently transcribed non-coding RNA 1389; minus strand). Cytogenetic location: 1p33.
Variant type: single nucleotide variant.
Coding change: c.496C>G on transcript NM_012186.3 (MANE Select); coding-DNA position 496, C replaced by G.
Protein change: p.Arg166Gly; replaces arginine 166 with glycine.
Molecular consequence: missense variant.
Genome position (GRCh38, 1-based): chr1:47,416,811, C>G. VCF-style: chr1-47416811-C-G. GRCh37 (hg19) VCF-style: chr1-47882483-C-G.
Other names: short protein forms R166G.
Identifiers: ClinVar variation 4788133 (VCV004788133.1).

ClinVar aggregate classification (germline): Uncertain significance (1 of 4 stars; one submission).

Conditions:
Anterior segment dysgenesis. Also called: Ocular anterior segment dysgenesis. Identifiers: Orphanet 88632, MedGen C1862839, MONDO:0019503, HP:0007700.
Congenital primary aphakia. Also called: Anterior segment dysgenesis 2, multiple subtypes; ANTERIOR SEGMENT DYSGENESIS 2. Identifiers: Orphanet 83461, MedGen C1853230, MONDO:0012456, OMIM 610256.

Submission:

Labcorp Genetics (formerly Invitae), Labcorp
Classification: Uncertain significance for Anterior segment dysgenesis; Congenital primary aphakia. Last evaluated: 2025-04-27. Review status: criteria provided, single submitter. Criteria: Invitae Variant Classification Sherloc (09022015). Collection method: clinical testing. Allele origin: germline.
Comment: This sequence change replaces arginine, which is basic and polar, with glycine, which is neutral and non-polar, at codon 166 of the FOXE3 protein (p.Arg166Gly). This variant is not present in population databases (gnomAD no frequency). This missense change has been observed in individual(s) with clinical features of autosomal dominant FOXE3-related conditions (internal data). Invitae Evidence Modeling of protein sequence and biophysical properties (such as structural, functional, and spatial information, amino acid conservation, physicochemical variation, residue mobility, and thermodynamic stability) has been performed for this missense variant. However, the output from this modeling did not meet the statistical confidence thresholds required to predict the impact of this variant on FOXE3 protein function. In summary, the available evidence is currently insufficient to determine the role of this variant in disease. Therefore, it has been classified as a Variant of Uncertain Significance.